The following is an entry in ClinVar:

NM_032043.3(BRIP1):c.1446C>G (p.Ile482Met)

Gene: BRIP1 (BRCA1 interacting DNA helicase 1; minus strand). Cytogenetic location: 17q23.2.
Variant type: single nucleotide variant.
Coding change: c.1446C>G on transcript NM_032043.3 (MANE Select); coding-DNA position 1446, C replaced by G.
Protein change: p.Ile482Met; replaces isoleucine 482 with methionine.
Molecular consequence: missense variant.
Genome position (GRCh38, 1-based): chr17:61,793,624, G>C on the plus strand (C>G on the coding strand, the complement: BRIP1 is on the minus strand). VCF-style: chr17-61793624-G-C. GRCh37 (hg19) VCF-style: chr17-59870985-G-C.
Other names: short protein forms I482M.
Identifiers: ClinVar variation 216786 (VCV000216786.18), dbSNP rs759360709, ClinGen allele CA337401.

ClinVar aggregate classification (germline): Uncertain significance. Review status: criteria provided, multiple submitters, no conflicts (2 of 4 stars). 3 submissions from 3 submitters: Uncertain significance (3). Last evaluated 2024-10-15.

Conditions:
Hereditary cancer-predisposing syndrome. Also called: Tumor predisposition; Hereditary Cancer Syndrome; Neoplastic Syndromes, Hereditary; Hereditary neoplastic syndrome. Identifiers: Orphanet 140162, MedGen C0027672, MeSH D009386, MONDO:0015356.
Familial cancer of breast. Also called: Hereditary breast cancer; BREAST CANCER, FAMILIAL; hereditary breast carcinoma. Identifiers: Orphanet 227535, MedGen C0346153, MONDO:0016419, OMIM 114480. Disease mechanism: loss of function.
Fanconi anemia complementation group J. Also called: BRIP1-Related Fanconi Anemia. Identifiers: Orphanet 84, MedGen C1836860, MONDO:0012187, OMIM 609054.

Allele frequency attached by ClinVar (database versions not stated): TOPMed below 0.00001.
gnomAD v4.1: 1 of 1,607,660 alleles (0.000062%); highest among the groups gnomAD compares: East Asian, 0.0022%; no homozygotes.

Submissions (3):

Labcorp Genetics (formerly Invitae), Labcorp
Classification: Uncertain significance for Familial cancer of breast; Fanconi anemia complementation group J. Last evaluated: 2024-10-15. Review status: criteria provided, single submitter. Criteria: Invitae Variant Classification Sherloc (09022015). Collection method: clinical testing. Allele origin: germline.
Comment: This sequence change replaces isoleucine, which is neutral and non-polar, with methionine, which is neutral and non-polar, at codon 482 of the BRIP1 protein (p.Ile482Met). This variant is not present in population databases (gnomAD no frequency). This variant has not been reported in the literature in individuals affected with BRIP1-related conditions. ClinVar contains an entry for this variant (Variation ID: 216786). Invitae Evidence Modeling of protein sequence and biophysical properties (such as structural, functional, and spatial information, amino acid conservation, physicochemical variation, residue mobility, and thermodynamic stability) indicates that this missense variant is not expected to disrupt BRIP1 protein function with a negative predictive value of 95%. In summary, the available evidence is currently insufficient to determine the role of this variant in disease. Therefore, it has been classified as a Variant of Uncertain Significance.

Ambry Genetics
Classification: Uncertain significance for Hereditary cancer-predisposing syndrome. Last evaluated: 2022-06-17. Review status: criteria provided, single submitter. Criteria: Ambry Variant Classification Scheme 2023. Collection method: clinical testing. Allele origin: germline.
Comment: The p.I482M variant (also known as c.1446C>G), located in coding exon 9 of the BRIP1 gene, results from a C to G substitution at nucleotide position 1446. The isoleucine at codon 482 is replaced by methionine, an amino acid with highly similar properties. This variant was identified in a cohort of 882 Chinese individuals with a personal and/or family history of breast or ovarian cancers who underwent multi-gene panel testing for HBOC risk assessment (Shao D et al. Cancer Sci, 2020 Feb;111:647-657). This amino acid position is highly conserved in available vertebrate species. In addition, the in silico prediction for this alteration is inconclusive. Since supporting evidence is limited at this time, the clinical significance of this alteration remains unclear.

Color Diagnostics, LLC DBA Color Health
Classification: Uncertain significance for Hereditary cancer-predisposing syndrome. Last evaluated: 2019-04-09. Review status: criteria provided, single submitter. Criteria: ACMG Guidelines, 2015. Collection method: clinical testing. Allele origin: germline.

Literature cited by the submitters: PubMed 31742824 (cited by Ambry Genetics).